The following is an entry in ClinVar:

ClinVar aggregate classification (germline): Uncertain significance (1 of 4 stars; one submission).

Conditions:
Hereditary cancer-predisposing syndrome. Also called: Tumor predisposition; Hereditary neoplastic syndrome; Neoplastic Syndromes, Hereditary; Hereditary Cancer Syndrome. Identifiers: Orphanet 140162, MedGen C0027672, MeSH D009386, MONDO:0015356.

Submission:

Ambry Genetics
Classification: Uncertain significance for Hereditary cancer-predisposing syndrome. Last evaluated: 2025-05-16. Review status: criteria provided, single submitter. Criteria: Ambry Variant Classification Scheme 2023. Collection method: clinical testing. Allele origin: germline.
Comment: The p.V293L variant (also known as c.877G>C), located in coding exon 8 of the FANCC gene, results from a G to C substitution at nucleotide position 877. The valine at codon 293 is replaced by leucine, an amino acid with highly similar properties. This amino acid position is conserved. In addition, this alteration is predicted to be tolerated by in silico analysis. Based on the available evidence, the clinical significance of this variant remains unclear.

NM_000136.3(FANCC):c.877G>C (p.Val293Leu)

Genes: AOPEP (aminopeptidase O (putative); plus strand), FANCC (FA complementation group C; minus strand). Cytogenetic location: 9q22.32.
Variant type: single nucleotide variant.
Coding change: c.877G>C on transcript NM_000136.3 (MANE Select); coding-DNA position 877, G replaced by C.
Protein change: p.Val293Leu; replaces valine 293 with leucine.
Molecular consequence: missense variant.
Genome position (GRCh38, 1-based): chr9:95,126,548, C>G on the plus strand (G>C on the coding strand, the complement: FANCC is on the minus strand). VCF-style: chr9-95126548-C-G. GRCh37 (hg19) VCF-style: chr9-97888830-C-G.
Other names: c.877G>C, p.Val293Leu (NM_001243743.2, NM_001243744.2); short protein forms V293L.
Identifiers: ClinVar variation 4022420 (VCV004022420.1).